The following is an entry in ClinVar:

NM_016239.4(MYO15A):c.8148+1G>A

Gene: MYO15A (myosin XVA; plus strand). Cytogenetic location: 17p11.2.
Variant type: single nucleotide variant.
Coding change: c.8148+1G>A on transcript NM_016239.4 (MANE Select); the canonical splice donor site of the intron after coding-DNA position 8148, G replaced by A.
Molecular consequence: splice donor variant.
Genome position (GRCh38, 1-based): chr17:18,154,191, G>A. VCF-style: chr17-18154191-G-A. GRCh37 (hg19) VCF-style: chr17-18057505-G-A.
Identifiers: ClinVar variation 4819152 (VCV004819152.1).

ClinVar aggregate classification (germline): Likely pathogenic (1 of 4 stars; one submission).

Conditions:
Autosomal recessive nonsyndromic hearing loss 3. Also called: NEUROSENSORY NONSYNDROMIC RECESSIVE DEAFNESS 3. Identifiers: Orphanet 90636, MedGen C1838263, MONDO:0010860, OMIM 600316.

Submission:

Institute of Human Genetics, University of Leipzig Medical Center
Classification: Likely pathogenic for Autosomal recessive nonsyndromic hearing loss 3. Last evaluated: 2026-01-30. Review status: criteria provided, single submitter. Criteria: ACMG Guidelines, 2015. Collection method: clinical testing. Allele origin: inherited. Inheritance: Autosomal recessive inheritance. Affected: yes.
Comment: Criteria applied: PVS1_STR,PM2_SUP,PM3_SUP